The following is an entry in ClinVar:

ClinVar aggregate classification (germline): Uncertain significance (1 of 4 stars; one submission).

Conditions:
PEX11B-related disorder. Also called: PEX11B-related condition.

gnomAD v4.1: 1 of 1,613,836 alleles (0.000062%); highest among the groups gnomAD compares: Admixed American, 0.0017%; no homozygotes.

Submission:

PreventionGenetics, part of Exact Sciences
Classification: Uncertain significance for PEX11B-related condition. Last evaluated: 2024-11-14. Review status: criteria provided, single submitter. Criteria: ACMG Guidelines, 2015. Collection method: clinical testing. Allele origin: germline.
Comment: The PEX11B c.351G>T variant is predicted to result in the amino acid substitution p.Glu117Asp. To our knowledge, this variant has not been reported in the literature. This variant is reported in 0.0029% of alleles in individuals of Latino descent in gnomAD. At this time, the clinical significance of this variant is uncertain due to the absence of conclusive functional and genetic evidence.

NM_003846.3(PEX11B):c.351G>T (p.Glu117Asp)

Gene: PEX11B (peroxisomal biogenesis factor 11 beta; minus strand). Cytogenetic location: 1q21.1.
Variant type: single nucleotide variant.
Coding change: c.351G>T on transcript NM_003846.3 (MANE Select); coding-DNA position 351, G replaced by T.
Protein change: p.Glu117Asp; replaces glutamic acid 117 with aspartic acid.
Molecular consequence: missense variant. On other transcripts: non-coding transcript variant (3).
Genome position (GRCh38, 1-based): chr1:145,916,840, C>A on the plus strand (G>T on the coding strand, the complement: PEX11B is on the minus strand). VCF-style: chr1-145916840-C-A. GRCh37 (hg19) VCF-style: chr1-145518249-G-T.
Other names: c.309G>T, p.Glu103Asp (NM_001184795.1); short protein forms E103D, E117D.
Identifiers: ClinVar variation 4998757 (VCV004998757.1).